The following is an entry in ClinVar:

ClinVar aggregate classification (germline): Uncertain significance. Review status: criteria provided, multiple submitters, no conflicts (2 of 4 stars). 3 submissions from 3 submitters: Uncertain significance (3). Last evaluated 2025-05-04.

Allele frequency attached by ClinVar (database versions not stated): gnomAD exomes below 0.00001 and 0.00001; ExAC 0.00001; gnomAD 0.00001; TOPMed 0.00002.

Submissions (3):

Ambry Genetics
Classification: Uncertain significance. Last evaluated: 2025-05-04. Review status: criteria provided, single submitter. Criteria: Ambry Variant Classification Scheme 2023. Collection method: clinical testing. Allele origin: germline.
Comment: The p.A530T variant (also known as c.1588G>A), located in coding exon 12 of the RECQL gene, results from a G to A substitution at nucleotide position 1588. The alanine at codon 530 is replaced by threonine, an amino acid with similar properties. This amino acid position is not well conserved in available vertebrate species. In addition, this alteration is predicted to be tolerated by in silico analysis. The evidence for this gene-disease relationship is limited; therefore, the clinical significance of this alteration is unclear.

GeneDx
Classification: Uncertain significance. Last evaluated: 2022-06-28. Review status: criteria provided, single submitter. Criteria: GeneDx Variant Classification Process June 2021. Collection method: clinical testing. Allele origin: germline. Affected: yes.
Comment: Not observed at significant frequency in large population cohorts (gnomAD); In silico analysis supports that this missense variant does not alter protein structure/function; Has not been previously published as pathogenic or benign to our knowledge; This variant is associated with the following publications: (PMID: 19151156, 27248010)

Labcorp Genetics (formerly Invitae), Labcorp
Classification: Uncertain significance. Last evaluated: 2022-06-05. Review status: criteria provided, single submitter. Criteria: Invitae Variant Classification Sherloc (09022015). Collection method: clinical testing. Allele origin: germline.
Comment: In summary, the available evidence is currently insufficient to determine the role of this variant in disease. Therefore, it has been classified as a Variant of Uncertain Significance. Algorithms developed to predict the effect of missense changes on protein structure and function (SIFT, PolyPhen-2, Align-GVGD) all suggest that this variant is likely to be tolerated. This sequence change replaces alanine, which is neutral and non-polar, with threonine, which is neutral and polar, at codon 530 of the RECQL protein (p.Ala530Thr). This variant is present in population databases (rs768793126, gnomAD 0.003%). This variant has not been reported in the literature in individuals affected with RECQL-related conditions. ClinVar contains an entry for this variant (Variation ID: 940687).

NM_002907.4(RECQL):c.1588G>A (p.Ala530Thr)

Gene: RECQL (RecQ like helicase; minus strand). Cytogenetic location: 12p12.1.
Variant type: single nucleotide variant.
Coding change: c.1588G>A on transcript NM_002907.4 (MANE Select); coding-DNA position 1588, G replaced by A.
Protein change: p.Ala530Thr; replaces alanine 530 with threonine.
Molecular consequence: missense variant.
Genome position (GRCh38, 1-based): chr12:21,471,507, C>T on the plus strand (G>A on the coding strand, the complement: RECQL is on the minus strand). VCF-style: chr12-21471507-C-T. GRCh37 (hg19) VCF-style: chr12-21624441-C-T.
Other names: c.1588G>A, p.Ala530Thr (NM_032941.3); short protein forms A530T.
Identifiers: ClinVar variation 940687 (VCV000940687.15), dbSNP rs768793126, ClinGen allele CA6478716.